The following is an entry in ClinVar:

NM_005327.7(HADH):c.875C>T (p.Ser292Phe)

Gene: HADH (hydroxyacyl-CoA dehydrogenase; plus strand). Cytogenetic location: 4q25.
Variant type: single nucleotide variant.
Coding change: c.875C>T on transcript NM_005327.7 (MANE Select); coding-DNA position 875, C replaced by T.
Protein change: p.Ser292Phe; replaces serine 292 with phenylalanine.
Molecular consequence: missense variant.
Genome position (GRCh38, 1-based): chr4:108,034,287, C>T. VCF-style: chr4-108034287-C-T. GRCh37 (hg19) VCF-style: chr4-108955443-C-T.
Other names: c.926C>T, p.Ser309Phe (NM_001184705.4); c.887C>T, p.Ser296Phe (NM_001331027.2); short protein forms S292F, S296F, S309F.
Identifiers: ClinVar variation 2194539 (VCV002194539.1), dbSNP rs112102907, ClinGen allele CA102861780.

ClinVar aggregate classification (germline): Uncertain significance (1 of 4 stars; one submission).

Conditions:
Deficiency of 3-hydroxyacyl-CoA dehydrogenase. Also called: 3-hydroxyacyl-CoA dehydrogenase deficiency; HADH DEFICIENCY. Identifiers: Orphanet 309127, Orphanet 71212, MedGen C1291230, MONDO:0017715, OMIM 231530.

gnomAD v4.1: 28 of 1,613,700 alleles (0.0017%); highest among the groups gnomAD compares: African/African-American, 0.011%; no homozygotes.

Submission:

Labcorp Genetics (formerly Invitae), Labcorp
Classification: Uncertain significance for Deficiency of 3-hydroxyacyl-CoA dehydrogenase. Last evaluated: 2022-06-13. Review status: criteria provided, single submitter. Criteria: Invitae Variant Classification Sherloc (09022015). Collection method: clinical testing. Allele origin: germline.
Comment: This sequence change replaces serine, which is neutral and polar, with phenylalanine, which is neutral and non-polar, at codon 292 of the HADH protein (p.Ser292Phe). This variant is not present in population databases (gnomAD no frequency). This variant has not been reported in the literature in individuals affected with HADH-related conditions. Algorithms developed to predict the effect of missense changes on protein structure and function output the following: SIFT: "Tolerated"; PolyPhen-2: "Benign"; Align-GVGD: "Class C0". The phenylalanine amino acid residue is found in multiple mammalian species, which suggests that this missense change does not adversely affect protein function. In summary, the available evidence is currently insufficient to determine the role of this variant in disease. Therefore, it has been classified as a Variant of Uncertain Significance.